The following is an entry in ClinVar:

NC_000006.12:g.(?_51632545)_(51648138_?)del

Gene: PKHD1 (PKHD1 ciliary IPT domain containing fibrocystin/polyductin; minus strand). Cytogenetic location: 6p12.3.
Variant type: Deletion.
Identifiers: ClinVar variation 647461 (VCV000647461.6).

ClinVar aggregate classification (germline): Pathogenic (1 of 4 stars; one submission).

Conditions:
Autosomal recessive polycystic kidney disease (ARPKD). Also called: AR polycystic kidney disease. Identifiers: Orphanet 731, Orphanet 8378, MedGen C0085548, MeSH D017044, MONDO:0009889.

Submission:

Labcorp Genetics (formerly Invitae), Labcorp
Classification: Pathogenic for Autosomal recessive polycystic kidney disease. Last evaluated: 2023-04-07. Review status: criteria provided, single submitter. Criteria: Invitae Variant Classification Sherloc (09022015). Collection method: clinical testing. Allele origin: germline.
Comment: For these reasons, this variant has been classified as Pathogenic. This variant has not been reported in the literature in individuals affected with PKHD1-related conditions. This variant is a gross deletion of the genomic region encompassing exon(s) 63-65 of the PKHD1 gene. This deletion is out-of-frame, and is expected to create a premature termination codon and result in an absent or disrupted protein product. Loss-of-function variants in PKHD1 are known to be pathogenic (PMID: 19940839).

Literature cited by the submitters: PubMed 19940839.